The following is an entry in ClinVar:

NM_004656.4(BAP1):c.1855_1864dup (p.Leu622fs)

Gene: BAP1 (BRCA1 associated deubiquitinase 1; minus strand). Cytogenetic location: 3p21.1.
Variant type: Duplication.
Coding change: c.1855_1864dup on transcript NM_004656.4 (MANE Select); coding-DNA positions 1855 to 1864, 10 bases duplicated (GGCGAGCCCT; older notation c.1855_1864dupGGCGAGCCCT).
Protein change: p.Leu622fs; shifts the reading frame from leucine 622.
Molecular consequence: frameshift variant.
Genome position (GRCh38, 1-based): chr3:52,403,164-52,403,173, AGGGCTCGCC duplicated on the plus strand (GGCGAGCCCT on the coding strand, the reverse complement: BAP1 is on the minus strand); duplicating any 10 consecutive bases within chr3:52,403,164-52,403,176 gives the same sequence; the c. name uses the placement nearest the transcript's 3' end. VCF-style (leftmost placement, unchanged base first): chr3-52403163-A-AAGGGCTCGCC. GRCh37 (hg19) VCF-style: chr3-52437179-A-AAGGGCTCGCC.
Other names: c.1801_1810dup, p.Leu604fs (NM_001410772.1); c.1855_1864dupGGCGAGCCCT (NM_004656.2); short protein forms L604fs, L622fs.
Identifiers: ClinVar variation 3819162 (VCV003819162.1).

ClinVar aggregate classification (germline): Pathogenic (1 of 4 stars; one submission).

Conditions:
Hereditary cancer-predisposing syndrome. Also called: Hereditary neoplastic syndrome; Neoplastic Syndromes, Hereditary; Tumor predisposition; Hereditary Cancer Syndrome. Identifiers: Orphanet 140162, MedGen C0027672, MeSH D009386, MONDO:0015356.

Submission:

Ambry Genetics
Classification: Pathogenic for Hereditary cancer-predisposing syndrome. Last evaluated: 2025-02-24. Review status: criteria provided, single submitter. Criteria: Ambry Variant Classification Scheme 2023. Collection method: clinical testing. Allele origin: germline.
Comment: The c.1855_1864dup10 variant, located in coding exon 14 of the BAP1 gene, results from a duplication of GGCGAGCCCT at nucleotide position 1855, causing a translational frameshift with a predicted alternate stop codon (p.L622Wfs*24). This alteration is expected to result in loss of function by premature protein truncation or nonsense-mediated mRNA decay. As such, this alteration is interpreted as a disease-causing mutation.